The following is an entry in ClinVar:

ClinVar aggregate classification (germline): Uncertain significance (1 of 4 stars; one submission).

Conditions:
Infantile-onset ascending hereditary spastic paralysis (IAHSP). Also called: Infantile-Onset Ascending Hereditary Spastic Paralysis (IAHSP); Autosomal Recessive Juvenile Amyotrophic Lateral Sclerosis. Identifiers: Orphanet 293168, MedGen C2931441, MONDO:0011797, OMIM 607225. Disease mechanism: loss of function.

Submission:

Labcorp Genetics (formerly Invitae), Labcorp
Classification: Uncertain significance for Infantile-onset ascending hereditary spastic paralysis. Last evaluated: 2022-04-07. Review status: criteria provided, single submitter. Criteria: Invitae Variant Classification Sherloc (09022015). Collection method: clinical testing. Allele origin: germline.
Comment: This sequence change replaces glutamic acid, which is acidic and polar, with glycine, which is neutral and non-polar, at codon 784 of the ALS2 protein (p.Glu784Gly). In summary, the available evidence is currently insufficient to determine the role of this variant in disease. Therefore, it has been classified as a Variant of Uncertain Significance. Algorithms developed to predict the effect of sequence changes on RNA splicing suggest that this variant may disrupt the consensus splice site. Algorithms developed to predict the effect of missense changes on protein structure and function (SIFT, PolyPhen-2, Align-GVGD) all suggest that this variant is likely to be tolerated. This variant has not been reported in the literature in individuals affected with ALS2-related conditions. This variant is not present in population databases (gnomAD no frequency).

NM_020919.4(ALS2):c.2351A>G (p.Glu784Gly)

Gene: ALS2 (alsin Rho guanine nucleotide exchange factor ALS2; minus strand). Cytogenetic location: 2q33.1.
Variant type: single nucleotide variant.
Coding change: c.2351A>G on transcript NM_020919.4 (MANE Select); coding-DNA position 2351, A replaced by G.
Protein change: p.Glu784Gly; replaces glutamic acid 784 with glycine.
Molecular consequence: missense variant.
Genome position (GRCh38, 1-based): chr2:201,741,674, T>C on the plus strand (A>G on the coding strand, the complement: ALS2 is on the minus strand). VCF-style: chr2-201741674-T-C. GRCh37 (hg19) VCF-style: chr2-202606397-T-C.
Other names: c.2351A>G, p.Glu784Gly (NM_001410975.1); short protein forms E784G.
Identifiers: ClinVar variation 2122432 (VCV002122432.4), dbSNP rs1203100980, ClinGen allele CA350324474.
Genomic context (GRCh38, chr2:201,741,674, plus strand): 5'-TGTTCTCCTTGGCAGAATAACCCTGCAGAGATTGAACATGACACGGGACTGGATACTTGC[T>C]CTGTATAACTATCCAAGAAGAGACTTGAATGCTTCAGGATGACCAAACTCCTGGCTTCCT-3'
Protein context (NP_065970.2, residues 774-794): HSSLFLDSYT[Glu784Gly]YCTSITNFLV